The following is an entry in ClinVar:

ClinVar aggregate classification (germline): Pathogenic (1 of 4 stars; one submission).

Allele frequency attached by ClinVar (database versions not stated): gnomAD exomes below 0.00001.
gnomAD v4.1: 3 of 1,613,614 alleles (0.00019%); highest among the groups gnomAD compares: Non-Finnish European, 0.000085%; no homozygotes.

Submission:

Labcorp Genetics (formerly Invitae), Labcorp
Classification: Pathogenic. Last evaluated: 2022-08-22. Review status: criteria provided, single submitter. Criteria: Invitae Variant Classification Sherloc (09022015). Collection method: clinical testing. Allele origin: germline.
Comment: This variant has not been reported in the literature in individuals affected with ALPK3-related conditions. This variant is not present in population databases (gnomAD no frequency). This sequence change creates a premature translational stop signal (p.Gln901*) in the ALPK3 gene. It is expected to result in an absent or disrupted protein product. Loss-of-function variants in ALPK3 are known to be pathogenic (PMID: 21441111, 26846950, 27106955, 34263907). For these reasons, this variant has been classified as Pathogenic.

Literature cited by the submitters: PubMed 21441111; PubMed 26846950; PubMed 27106955; PubMed 34263907.

NM_020778.5(ALPK3):c.2095C>T (p.Gln699Ter)

Gene: ALPK3 (alpha kinase 3; plus strand). Cytogenetic location: 15q25.3.
Variant type: single nucleotide variant.
Coding change: c.2095C>T on transcript NM_020778.5 (MANE Select); coding-DNA position 2095, C replaced by T.
Protein change: p.Gln699Ter; replaces glutamine 699 with a stop codon.
Molecular consequence: nonsense.
Genome position (GRCh38, 1-based): chr15:84,856,833, C>T. VCF-style: chr15-84856833-C-T. GRCh37 (hg19) VCF-style: chr15-85400064-C-T.
Other names: short protein forms Q699*.
Identifiers: ClinVar variation 1921465 (VCV001921465.5), dbSNP rs2505719610, ClinGen allele CA393355913.